The following is an entry in ClinVar:

NM_004415.4(DSP):c.1653C>G (p.His551Gln)

Gene: DSP (desmoplakin; plus strand). Cytogenetic location: 6p24.3.
Variant type: single nucleotide variant.
Coding change: c.1653C>G on transcript NM_004415.4 (MANE Select); coding-DNA position 1653, C replaced by G.
Protein change: p.His551Gln; replaces histidine 551 with glutamine.
Molecular consequence: missense variant.
Genome position (GRCh38, 1-based): chr6:7,570,515, C>G. VCF-style: chr6-7570515-C-G. GRCh37 (hg19) VCF-style: chr6-7570748-C-G.
Other names: c.1653C>G, p.His551Gln (NM_001008844.3, NM_001319034.2); short protein forms H551Q.
Identifiers: ClinVar variation 3762287 (VCV003762287.2).

ClinVar aggregate classification (germline): Uncertain significance (1 of 4 stars; one submission).

Conditions:
Arrhythmogenic cardiomyopathy with wooly hair and keratoderma. Also called: Arrhythmogenic cardiomyopathy with woolly hair and keratoderma; PALMOPLANTAR KERATODERMA WITH LEFT VENTRICULAR CARDIOMYOPATHY AND WOOLLY HAIR; Carvajal syndrome; Dilated cardiomyopathy with woolly hair and keratoderma. Identifiers: Orphanet 65282, MedGen C1854063, MONDO:0011581, OMIM 605676.
Arrhythmogenic right ventricular dysplasia 8 (ARVD8). Also called: Arrhythmogenic Right Ventricular Dysplasia/Cardiomyopathy 8; ARRHYTHMOGENIC RIGHT VENTRICULAR DYSPLASIA, FAMILIAL, 8; ARRHYTHMOGENIC RIGHT VENTRICULAR CARDIOMYOPATHY 8. Identifiers: MedGen C1843896, MONDO:0011831, OMIM 607450.

gnomAD v4.1: 5 of 1,613,918 alleles (0.00031%); highest among the groups gnomAD compares: African/African-American, 0.0013%; no homozygotes.

Submission:

Labcorp Genetics (formerly Invitae), Labcorp
Classification: Uncertain significance for Arrhythmogenic cardiomyopathy with wooly hair and keratoderma; Arrhythmogenic right ventricular dysplasia 8. Last evaluated: 2025-12-04. Review status: criteria provided, single submitter. Criteria: Invitae Variant Classification Sherloc (09022015). Collection method: clinical testing. Allele origin: germline.
Comment: This sequence change replaces histidine, which is basic and polar, with glutamine, which is neutral and polar, at codon 551 of the DSP protein (p.His551Gln). This variant is not present in population databases (gnomAD no frequency). This variant has not been reported in the literature in individuals affected with DSP-related conditions. ClinVar contains an entry for this variant (Variation ID: 3762287). An algorithm developed to predict the effect of missense changes on protein structure and function (PolyPhen-2) suggests that this variant is likely to be tolerated. In summary, the available evidence is currently insufficient to determine the role of this variant in disease. Therefore, it has been classified as a Variant of Uncertain Significance.